The following is an entry in ClinVar:

ClinVar aggregate classification (germline): Uncertain significance. Review status: criteria provided, multiple submitters, no conflicts (2 of 4 stars). 2 submissions from 2 submitters: Uncertain significance (2). Last evaluated 2025-04-30.

Conditions:
Inborn genetic diseases. Identifiers: MedGen C0950123, MeSH D030342.
Bethlem myopathy 1A. Also called: Bethlem Muscular Dystrophy; Bethlem myopathy 1; MYOPATHY, BENIGN CONGENITAL, WITH CONTRACTURES. Identifiers: Orphanet 610, MedGen CN029274, MONDO:0024530, OMIM 158810.

Allele frequency attached by ClinVar (database versions not stated): gnomAD 0.00001; gnomAD exomes 0.00001; TOPMed 0.00001.
gnomAD v4.1: 14 of 1,614,066 alleles (0.00087%); highest among the groups gnomAD compares: Non-Finnish European, 0.0011%; no homozygotes.

Submissions (2):

Labcorp Genetics (formerly Invitae), Labcorp
Classification: Uncertain significance for Bethlem myopathy 1A. Last evaluated: 2025-04-30. Review status: criteria provided, single submitter. Criteria: Invitae Variant Classification Sherloc (09022015). Collection method: clinical testing. Allele origin: germline.
Comment: This sequence change replaces leucine, which is neutral and non-polar, with proline, which is neutral and non-polar, at codon 941 of the COL6A3 protein (p.Leu941Pro). This variant is not present in population databases (gnomAD no frequency). This variant has not been reported in the literature in individuals affected with COL6A3-related conditions. ClinVar contains an entry for this variant (Variation ID: 653167). Invitae Evidence Modeling of protein sequence and biophysical properties (such as structural, functional, and spatial information, amino acid conservation, physicochemical variation, residue mobility, and thermodynamic stability) indicates that this missense variant is not expected to disrupt COL6A3 protein function with a negative predictive value of 80%. In summary, the available evidence is currently insufficient to determine the role of this variant in disease. Therefore, it has been classified as a Variant of Uncertain Significance.

Ambry Genetics
Classification: Uncertain significance for Inborn genetic diseases. Last evaluated: 2022-01-04. Review status: criteria provided, single submitter. Criteria: Ambry Variant Classification Scheme 2023. Collection method: clinical testing. Allele origin: germline.

NM_004369.4(COL6A3):c.2822T>C (p.Leu941Pro)

Gene: COL6A3 (collagen type VI alpha 3 chain; minus strand). Cytogenetic location: 2q37.3.
Variant type: single nucleotide variant.
Coding change: c.2822T>C on transcript NM_004369.4 (MANE Select); coding-DNA position 2822, T replaced by C.
Protein change: p.Leu941Pro; replaces leucine 941 with proline.
Molecular consequence: missense variant.
Genome position (GRCh38, 1-based): chr2:237,377,020, A>G on the plus strand (T>C on the coding strand, the complement: COL6A3 is on the minus strand). VCF-style: chr2-237377020-A-G. GRCh37 (hg19) VCF-style: chr2-238285663-A-G.
Other names: c.1601T>C, p.Leu534Pro (NM_057164.5); c.2204T>C, p.Leu735Pro (NM_057165.5, NM_057167.4); c.1001T>C, p.Leu334Pro (NM_057166.5); short protein forms L534P, L735P, L334P, L941P.
Identifiers: ClinVar variation 653167 (VCV000653167.12), dbSNP rs1339733240, ClinGen allele CA351209881.